The following is an entry in ClinVar:

ClinVar aggregate classification (germline): Uncertain significance (1 of 4 stars; one submission).

Submission:

Labcorp Genetics (formerly Invitae), Labcorp
Classification: Uncertain significance. Last evaluated: 2024-10-29. Review status: criteria provided, single submitter. Criteria: Invitae Variant Classification Sherloc (09022015). Collection method: clinical testing. Allele origin: germline.
Comment: This sequence change replaces lysine, which is basic and polar, with asparagine, which is neutral and polar, at codon 650 of the CCDC141 protein (p.Lys650Asn). This variant is present in population databases (rs778913159, gnomAD 0.006%). This variant has not been reported in the literature in individuals affected with CCDC141-related conditions. An algorithm developed to predict the effect of missense changes on protein structure and function (PolyPhen-2) suggests that this variant is likely to be tolerated. In summary, the available evidence is currently insufficient to determine the role of this variant in disease. Therefore, it has been classified as a Variant of Uncertain Significance.

NM_173648.4(CCDC141):c.1950G>T (p.Lys650Asn)

Gene: CCDC141 (coiled-coil domain containing 141; minus strand). Cytogenetic location: 2q31.2.
Variant type: single nucleotide variant.
Coding change: c.1950G>T on transcript NM_173648.4 (MANE Select); coding-DNA position 1950, G replaced by T.
Protein change: p.Lys650Asn; replaces lysine 650 with asparagine.
Molecular consequence: missense variant.
Genome position (GRCh38, 1-based): chr2:178,872,262, C>A on the plus strand (G>T on the coding strand, the complement: CCDC141 is on the minus strand). VCF-style: chr2-178872262-C-A. GRCh37 (hg19) VCF-style: chr2-179736989-C-A.
Other names: short protein forms K650N.
Identifiers: ClinVar variation 3632998 (VCV003632998.2).